The following is an entry in ClinVar:

ClinVar aggregate classification (germline): Pathogenic/Likely pathogenic. Review status: criteria provided, multiple submitters, no conflicts (2 of 4 stars). 2 submissions from 2 submitters: Pathogenic (1); Likely pathogenic (1). Last evaluated 2025-11-27.

Conditions:
Complement component 6 deficiency (C6D). Also called: C6 DEFICIENCY. Identifiers: MedGen C2676232, MONDO:0012908, OMIM 612446.

Submissions (2):

Labcorp Genetics (formerly Invitae), Labcorp
Classification: Pathogenic. Last evaluated: 2025-11-27. Review status: criteria provided, single submitter. Criteria: Invitae Variant Classification Sherloc (09022015). Collection method: clinical testing. Allele origin: germline.
Comment: This sequence change creates a premature translational stop signal (p.Phe803*) in the C6 gene. It is expected to result in an absent or disrupted protein product. Loss-of-function variants in C6 are known to be pathogenic (PMID: 17257682). This variant is present in population databases (rs749432203, gnomAD 0.02%). This variant has not been reported in the literature in individuals affected with C6-related conditions. ClinVar contains an entry for this variant (Variation ID: 1323996). For these reasons, this variant has been classified as Pathogenic.

Revvity Omics, Revvity
Classification: Likely pathogenic for Complement component 6 deficiency. Last evaluated: 2019-11-21. Review status: criteria provided, single submitter. Criteria: ACMG Guidelines, 2015. Collection method: clinical testing. Allele origin: germline.

Literature cited by the submitters: PubMed 17257682 (cited by Labcorp Genetics (formerly Invitae), Labcorp).

NM_000065.5(C6):c.2406_2407del (p.Val802_Phe803insTer)

Gene: C6 (complement C6; minus strand). Cytogenetic location: 5p13.1.
Variant type: Microsatellite.
Coding change: c.2406_2407del on transcript NM_000065.5 (MANE Select); coding-DNA positions 2406 to 2407, 2 bases deleted (GT; older notation c.2406_2407delGT).
Protein change: p.Val802_Phe803insTer.
Molecular consequence: frameshift variant.
Genome position (GRCh38, 1-based): chr5:41,149,457-41,149,458, AC deleted on the plus strand (GT on the coding strand, the reverse complement: C6 is on the minus strand); deleting any 2 consecutive bases within chr5:41,149,457-41,149,463 gives the same sequence; the c. name uses the placement nearest the transcript's 3' end. VCF-style (leftmost placement, unchanged base first): chr5-41149456-AAC-A. GRCh37 (hg19) VCF-style: chr5-41149558-AAC-A.
Other names: c.2406_2407del, p.Val802_Phe803insTer (NM_001115131.4).
Identifiers: ClinVar variation 1323996 (VCV001323996.9), dbSNP rs749432203, ClinGen allele CA3252122.